The following is an entry in ClinVar:

NM_032043.3(BRIP1):c.143C>T (p.Thr48Ile)

Gene: BRIP1 (BRCA1 interacting DNA helicase 1; minus strand). Cytogenetic location: 17q23.2.
Variant type: single nucleotide variant.
Coding change: c.143C>T on transcript NM_032043.3 (MANE Select); coding-DNA position 143, C replaced by T.
Protein change: p.Thr48Ile; replaces threonine 48 with isoleucine.
Molecular consequence: missense variant.
Genome position (GRCh38, 1-based): chr17:61,859,858, G>A on the plus strand (C>T on the coding strand, the complement: BRIP1 is on the minus strand). VCF-style: chr17-61859858-G-A. GRCh37 (hg19) VCF-style: chr17-59937219-G-A.
Other names: short protein forms T48I.
Identifiers: ClinVar variation 844568 (VCV000844568.16), dbSNP rs755317452, ClinGen allele CA400485776.

ClinVar aggregate classification (germline): Conflicting classifications of pathogenicity. Review status: criteria provided, conflicting classifications (1 of 4 stars). 5 submissions from 5 submitters: Likely pathogenic (1); Uncertain significance (4). Last evaluated 2026-03-15.

Conditions:
Familial cancer of breast. Also called: Hereditary breast cancer; hereditary breast carcinoma; BREAST CANCER, FAMILIAL. Identifiers: Orphanet 227535, MedGen C0346153, MONDO:0016419, OMIM 114480. Disease mechanism: loss of function.
Fanconi anemia complementation group J. Also called: BRIP1-Related Fanconi Anemia. Identifiers: Orphanet 84, MedGen C1836860, MONDO:0012187, OMIM 609054.
Hereditary cancer-predisposing syndrome. Also called: Neoplastic Syndromes, Hereditary; Hereditary neoplastic syndrome; Tumor predisposition; Hereditary Cancer Syndrome. Identifiers: Orphanet 140162, MedGen C0027672, MeSH D009386, MONDO:0015356.

Allele frequency attached by ClinVar (database versions not stated): TOPMed below 0.00001.

Submissions (5):

GeneDx
Classification: Likely pathogenic. Last evaluated: 2026-03-15. Review status: criteria provided, single submitter. Criteria: GeneDx Variant Classification Process June 2021. Collection method: clinical testing. Allele origin: germline.
Comment: Not observed at significant frequency in large population cohorts (gnomAD); In silico analysis supports that this missense variant has a deleterious effect on protein structure/function; Observed in an individual with ovarian cancer (PMID: 26315354); This variant is associated with the following publications: (PMID: 11301010, 26315354)

Women's Health and Genetics/Laboratory Corporation of America, LabCorp
Classification: Uncertain significance. Last evaluated: 2026-01-09. Review status: criteria provided, single submitter. Criteria: LabCorp Variant Classification Summary - May 2015. Collection method: clinical testing. Allele origin: germline.
Comment: Variant summary: BRIP1 c.143C>T (p.Thr48Ile) results in a non-conservative amino acid change in the encoded protein sequence. Algorithms developed to predict the effect of missense changes on protein structure and function all suggest that this variant is likely to be disruptive. The variant was absent in 251412 control chromosomes. The available data on variant occurrences in the general population are insufficient to allow any conclusion about variant significance. c.143C>T has been observed in an individuals affected with ovarian cancer and an individual affected with breast cancer (Ramus_2015, Weitzel_2019). These reports do not provide unequivocal conclusions about association of the variant with Hereditary Breast And Ovarian Cancer Syndrome. To our knowledge, no experimental evidence demonstrating an impact on protein function has been reported. The following publications have been ascertained in the context of this evaluation (PMID: 26315354, 31206626). ClinVar contains an entry for this variant (Variation ID: 844568). Based on the evidence outlined above, the variant was classified as uncertain significance.

Quest Diagnostics Nichols Institute San Juan Capistrano
Classification: Uncertain significance. Last evaluated: 2025-10-13. Review status: criteria provided, single submitter. Criteria: Quest Diagnostics criteria. Collection method: clinical testing. Allele origin: unknown.
Comment: The BRIP1 c.143C>T (p.Thr48Ile) variant has been reported in the published literature in an individual with ovarian cancer (PMID: 26315354 (2015)) and in an individual with breast cancer (PMID: 31206626 (2019)). This variant has not been reported in large, multi-ethnic general populations (Genome Aggregation Database). Analysis of this variant using bioinformatics tools for the prediction of the effect of amino acid changes on protein structure and function yielded predictions that this variant is damaging. Based on the available information, we are unable to determine the clinical significance of this variant.

Labcorp Genetics (formerly Invitae), Labcorp
Classification: Uncertain significance for Familial cancer of breast; Fanconi anemia complementation group J. Last evaluated: 2024-10-30. Review status: criteria provided, single submitter. Criteria: Invitae Variant Classification Sherloc (09022015). Collection method: clinical testing. Allele origin: germline.
Comment: This sequence change replaces threonine, which is neutral and polar, with isoleucine, which is neutral and non-polar, at codon 48 of the BRIP1 protein (p.Thr48Ile). This variant is not present in population databases (gnomAD no frequency). This missense change has been observed in individual(s) with ovarian cancer (PMID: 26315354). ClinVar contains an entry for this variant (Variation ID: 844568). Invitae Evidence Modeling of protein sequence and biophysical properties (such as structural, functional, and spatial information, amino acid conservation, physicochemical variation, residue mobility, and thermodynamic stability) has been performed for this missense variant. However, the output from this modeling did not meet the statistical confidence thresholds required to predict the impact of this variant on BRIP1 protein function. In summary, the available evidence is currently insufficient to determine the role of this variant in disease. Therefore, it has been classified as a Variant of Uncertain Significance.

Ambry Genetics
Classification: Uncertain significance for Hereditary cancer-predisposing syndrome. Last evaluated: 2023-11-29. Review status: criteria provided, single submitter. Criteria: Ambry Variant Classification Scheme 2023. Collection method: clinical testing. Allele origin: germline.
Comment: The p.T48I variant (also known as c.143C>T), located in coding exon 2 of the BRIP1 gene, results from a C to T substitution at nucleotide position 143. The threonine at codon 48 is replaced by isoleucine, an amino acid with similar properties. In one study, this alteration was observed in 1/3236 cases with invasive epithelial ovarian cancer and 0/3431 controls (Ramus SJ et al. J Natl Cancer Inst, 2015 Nov;107:). This amino acid position is highly conserved in available vertebrate species. In addition, this alteration is predicted to be deleterious by in silico analysis. Since supporting evidence is limited at this time, the clinical significance of this alteration remains unclear.

Literature cited by the submitters: PubMed 26315354 (cited by 4 submitters); PubMed 31206626 (cited by Women's Health and Genetics/Laboratory Corporation of America, LabCorp and Quest Diagnostics Nichols Institute San Juan Capistrano).